The following is an entry in ClinVar:

NM_016166.3(PIAS1):c.307C>A (p.Pro103Thr)

Gene: PIAS1 (protein inhibitor of activated STAT 1; plus strand). Cytogenetic location: 15q23.
Variant type: single nucleotide variant.
Coding change: c.307C>A on transcript NM_016166.3 (MANE Select); coding-DNA position 307, C replaced by A.
Protein change: p.Pro103Thr; replaces proline 103 with threonine.
Molecular consequence: missense variant.
Genome position (GRCh38, 1-based): chr15:68,086,588, C>A. VCF-style: chr15-68086588-C-A. GRCh37 (hg19) VCF-style: chr15-68378926-C-A.
Other names: c.313C>A, p.Pro105Thr (NM_001320687.1); short protein forms P105T, P103T.
Identifiers: ClinVar variation 2032589 (VCV002032589.4), dbSNP rs1334123753, ClinGen allele CA393212011.

ClinVar aggregate classification (germline): Uncertain significance (1 of 4 stars; one submission).

Allele frequency attached by ClinVar (database versions not stated): gnomAD 0.00001.
gnomAD v4.1: 1 of 1,613,784 alleles (0.000062%); highest among the groups gnomAD compares: Non-Finnish European, 0.000085%; no homozygotes.

Submission:

Labcorp Genetics (formerly Invitae), Labcorp
Classification: Uncertain significance. Last evaluated: 2022-09-25. Review status: criteria provided, single submitter. Criteria: Invitae Variant Classification Sherloc (09022015). Collection method: clinical testing. Allele origin: germline.
Comment: In summary, the available evidence is currently insufficient to determine the role of this variant in disease. Therefore, it has been classified as a Variant of Uncertain Significance. Advanced modeling of protein sequence and biophysical properties (such as structural, functional, and spatial information, amino acid conservation, physicochemical variation, residue mobility, and thermodynamic stability) performed at Invitae indicates that this missense variant is not expected to disrupt PIAS1 protein function. This variant has not been reported in the literature in individuals affected with PIAS1-related conditions. This variant is present in population databases (no rsID available, gnomAD 0.007%). This sequence change replaces proline, which is neutral and non-polar, with threonine, which is neutral and polar, at codon 103 of the PIAS1 protein (p.Pro103Thr).